The following is an entry in ClinVar:

ClinVar aggregate classification (germline): Uncertain significance (1 of 4 stars; one submission).

Conditions:
Hereditary cancer-predisposing syndrome. Also called: Neoplastic Syndromes, Hereditary; Tumor predisposition; Hereditary neoplastic syndrome; Hereditary Cancer Syndrome. Identifiers: Orphanet 140162, MedGen C0027672, MeSH D009386, MONDO:0015356.

Submission:

Ambry Genetics
Classification: Uncertain significance for Hereditary cancer-predisposing syndrome. Last evaluated: 2018-09-21. Review status: criteria provided, single submitter. Criteria: Ambry Variant Classification Scheme 2023. Collection method: clinical testing. Allele origin: germline.
Comment: The p.P1153R variant (also known as c.3458C>G), located in coding exon 13 of the PALB2 gene, results from a C to G substitution at nucleotide position 3458. The proline at codon 1153 is replaced by arginine, an amino acid with dissimilar properties. In addition, this alteration is predicted to be tolerated by in silico analysis. Since supporting evidence is limited at this time, the clinical significance of this alteration remains unclear.

NM_024675.4(PALB2):c.3458C>G (p.Pro1153Arg)

Gene: PALB2 (partner and localizer of BRCA2; minus strand). Cytogenetic location: 16p12.2.
Variant type: single nucleotide variant.
Coding change: c.3458C>G on transcript NM_024675.4 (MANE Select); coding-DNA position 3458, C replaced by G.
Protein change: p.Pro1153Arg; replaces proline 1153 with arginine.
Molecular consequence: missense variant.
Genome position (GRCh38, 1-based): chr16:23,603,562, G>C on the plus strand (C>G on the coding strand, the complement: PALB2 is on the minus strand). VCF-style: chr16-23603562-G-C. GRCh37 (hg19) VCF-style: chr16-23614883-G-C.
Other names: short protein forms P1153R.
Identifiers: ClinVar variation 823793 (VCV000823793.4), dbSNP rs1567205039, ClinGen allele CA395138071.